The following is an entry in ClinVar:

ClinVar aggregate classification (germline): Conflicting classifications of pathogenicity. Review status: criteria provided, conflicting classifications (1 of 4 stars). 3 submissions from 3 submitters: Uncertain significance (2); Likely benign (1). Last evaluated 2025-10-14.

Conditions:
Familial thoracic aortic aneurysm and aortic dissection (TAAD). Also called: Thoracic aortic aneurysms and dissections. Identifiers: Orphanet 91387, MedGen C4707243, MONDO:0019625.
Marfan syndrome (MFS). Also called: FBN1-Related Marfan Syndrome; Marfan syndrome type 1; Marfan's syndrome; Marfan syndrome, classic; MARFAN SYNDROME, TYPE I. Identifiers: Orphanet 284963, Orphanet 558, MedGen C0024796, MONDO:0007947, OMIM 154700.

Allele frequency attached by ClinVar (database versions not stated): gnomAD exomes 0.00001.
gnomAD v4.1: 20 of 1,613,496 alleles (0.0012%); highest among the groups gnomAD compares: Non-Finnish European, 0.0016%; no homozygotes.

Submissions (3):

Color Diagnostics, LLC DBA Color Health
Classification: Uncertain significance for Familial thoracic aortic aneurysm and aortic dissection. Last evaluated: 2025-10-14. Review status: criteria provided, single submitter. Criteria: ACMG Guidelines, 2015. Collection method: clinical testing. Allele origin: germline.
Comment: This missense variant replaces isoleucine with threonine at codon 547 of the FBN1 protein. Computational prediction suggests that this variant may not impact protein structure and function. To our knowledge, functional studies have not been reported for this variant. This variant has not been reported in individuals affected with FBN1-related disorders in the literature. This variant has been identified in 20/1461198 chromosomes in the general population by the Genome Aggregation Database (gnomAD). The available evidence is insufficient to determine the role of this variant in disease conclusively. Therefore, this variant is classified as a Variant of Uncertain Significance.

Labcorp Genetics (formerly Invitae), Labcorp
Classification: Likely benign for Marfan syndrome; Familial thoracic aortic aneurysm and aortic dissection. Last evaluated: 2024-08-13. Review status: criteria provided, single submitter. Criteria: Invitae Variant Classification Sherloc (09022015). Collection method: clinical testing. Allele origin: germline.

All of Us Research Program, National Institutes of Health
Classification: Uncertain significance for Marfan syndrome. Last evaluated: 2023-08-15. Review status: criteria provided, single submitter. Criteria: ACMG Guidelines, 2015. Collection method: clinical testing. Allele origin: germline. Inheritance: Autosomal dominant inheritance. Observed: 1 variant allele, 1 heterozygote.
Comment: This missense variant replaces isoleucine with threonine at codon 547 of the FBN1 protein. Computational prediction suggests that this variant may not impact protein structure and function (internally defined REVEL score threshold <= 0.5, PMID: 27666373). To our knowledge, functional studies have not been reported for this variant. This variant has not been reported in individuals affected with FBN1-related disorders in the literature. This variant has been identified in 2/251286 chromosomes in the general population by the Genome Aggregation Database (gnomAD). The available evidence is insufficient to determine the role of this variant in disease conclusively. Therefore, this variant is classified as a Variant of Uncertain Significance.

This study involves interpretation of variants in research participants for the purpose of population health screening. Participant phenotype was not available at the time of variant classification. Additional details can be found in publication PMID: 35346344, PMCID: PMC8962531

NM_000138.5(FBN1):c.1640T>C (p.Ile547Thr)

Gene: FBN1 (fibrillin 1; minus strand). Cytogenetic location: 15q21.1.
Variant type: single nucleotide variant.
Coding change: c.1640T>C on transcript NM_000138.5 (MANE Select); coding-DNA position 1640, T replaced by C.
Protein change: p.Ile547Thr; replaces isoleucine 547 with threonine.
Molecular consequence: missense variant.
Genome position (GRCh38, 1-based): chr15:48,510,118, A>G on the plus strand (T>C on the coding strand, the complement: FBN1 is on the minus strand). VCF-style: chr15-48510118-A-G. GRCh37 (hg19) VCF-style: chr15-48802315-A-G.
Other names: short protein forms I547T.
Identifiers: ClinVar variation 573231 (VCV000573231.10), dbSNP rs112269822, ClinGen allele CA269554394.